The following is an entry in ClinVar:

ClinVar aggregate classification (germline): Uncertain significance (1 of 4 stars; one submission).

Conditions:
Early Myoclonic Encephalopathy. Identifiers: MedGen C0270855.

Allele frequency attached by ClinVar (database versions not stated): TOPMed below 0.00001.

Submission:

Labcorp Genetics (formerly Invitae), Labcorp
Classification: Uncertain significance for Early Myoclonic Encephalopathy. Last evaluated: 2022-02-09. Review status: criteria provided, single submitter. Criteria: Invitae Variant Classification Sherloc (09022015). Collection method: clinical testing. Allele origin: germline.
Comment: This variant is not present in population databases (gnomAD no frequency). This sequence change replaces glutamine, which is neutral and polar, with histidine, which is basic and polar, at codon 53 of the KCND2 protein (p.Gln53His). This variant has not been reported in the literature in individuals affected with KCND2-related conditions. Advanced modeling of protein sequence and biophysical properties (such as structural, functional, and spatial information, amino acid conservation, physicochemical variation, residue mobility, and thermodynamic stability) performed at Invitae indicates that this missense variant is not expected to disrupt KCND2 protein function. In summary, the available evidence is currently insufficient to determine the role of this variant in disease. Therefore, it has been classified as a Variant of Uncertain Significance.

NM_012281.3(KCND2):c.159G>C (p.Gln53His)

Gene: KCND2 (potassium voltage-gated channel subfamily D member 2; plus strand). Cytogenetic location: 7q31.31.
Variant type: single nucleotide variant.
Coding change: c.159G>C on transcript NM_012281.3 (MANE Select); coding-DNA position 159, G replaced by C.
Protein change: p.Gln53His; replaces glutamine 53 with histidine.
Molecular consequence: missense variant.
Genome position (GRCh38, 1-based): chr7:120,274,791, G>C. VCF-style: chr7-120274791-G-C. GRCh37 (hg19) VCF-style: chr7-119914845-G-C.
Other names: short protein forms Q53H.
Identifiers: ClinVar variation 1505231 (VCV001505231.6), dbSNP rs1192256396, ClinGen allele CA369130957.
Genomic context (GRCh38, chr7:120,274,791, plus strand): 5'-GGAGAGGAAAAGGACCCAAGATGCTCTCATTGTGCTGAATGTGAGTGGCACCCGCTTCCA[G>C]ACGTGGCAGGACACCCTGGAACGTTACCCAGACACTCTACTGGGCAGTTCTGAGAGGGAC-3'
Protein context (NP_036413.1, residues 43-63): IVLNVSGTRF[Gln53His]TWQDTLERYP